The following is an entry in ClinVar:

NM_001379500.1(COL18A1):c.1486C>T (p.Pro496Ser)

Gene: COL18A1 (collagen type XVIII alpha 1 chain; plus strand). Cytogenetic location: 21q22.3.
Variant type: single nucleotide variant.
Coding change: c.1486C>T on transcript NM_001379500.1 (MANE Select); coding-DNA position 1486, C replaced by T.
Protein change: p.Pro496Ser; replaces proline 496 with serine.
Molecular consequence: missense variant.
Genome position (GRCh38, 1-based): chr21:45,480,733, C>T. VCF-style: chr21-45480733-C-T. GRCh37 (hg19) VCF-style: chr21-46900647-C-T.
Other names: c.2026C>T, p.Pro676Ser (NM_030582.4); c.2731C>T, p.Pro911Ser (NM_130444.3); short protein forms P676S, P911S, P496S.
Identifiers: ClinVar variation 1944449 (VCV001944449.5), dbSNP rs757040503, ClinGen allele CA10066363.

ClinVar aggregate classification (germline): Uncertain significance (1 of 4 stars; one submission).

Allele frequency attached by ClinVar (database versions not stated): TOPMed 0.00001; ExAC 0.00002.
gnomAD v4.1: 12 of 1,610,800 alleles (0.00074%); highest among the groups gnomAD compares: Non-Finnish European, 0.00068%; no homozygotes.

Submission:

Labcorp Genetics (formerly Invitae), Labcorp
Classification: Uncertain significance. Last evaluated: 2022-05-04. Review status: criteria provided, single submitter. Criteria: Invitae Variant Classification Sherloc (09022015). Collection method: clinical testing. Allele origin: germline.
Comment: Experimental studies and prediction algorithms are not available or were not evaluated, and the functional significance of this variant is currently unknown. In summary, the available evidence is currently insufficient to determine the role of this variant in disease. Therefore, it has been classified as a Variant of Uncertain Significance. This variant has not been reported in the literature in individuals affected with COL18A1-related conditions. This variant is present in population databases (rs757040503, gnomAD 0.01%). This sequence change replaces proline, which is neutral and non-polar, with serine, which is neutral and polar, at codon 496 of the COL18A1 protein (p.Pro496Ser).